The following is an entry in ClinVar:

ClinVar aggregate classification (germline): Uncertain significance (1 of 4 stars; one submission).

gnomAD v4.1: 7 of 1,613,980 alleles (0.00043%); highest among the groups gnomAD compares: Admixed American, 0.0067%; no homozygotes.

Submission:

Labcorp Genetics (formerly Invitae), Labcorp
Classification: Uncertain significance. Last evaluated: 2025-07-29. Review status: criteria provided, single submitter. Criteria: Invitae Variant Classification Sherloc (09022015). Collection method: clinical testing. Allele origin: germline.
Comment: This sequence change replaces lysine, which is basic and polar, with arginine, which is basic and polar, at codon 698 of the PDE8B protein (p.Lys698Arg). This variant is present in population databases (no rsID available, gnomAD 0.003%). This variant has not been reported in the literature in individuals affected with PDE8B-related conditions. An algorithm developed to predict the effect of missense changes on protein structure and function (PolyPhen-2) suggests that this variant is likely to be tolerated. In summary, the available evidence is currently insufficient to determine the role of this variant in disease. Therefore, it has been classified as a Variant of Uncertain Significance.

NM_003719.5(PDE8B):c.2093A>G (p.Lys698Arg)

Gene: PDE8B (phosphodiesterase 8B; plus strand). Cytogenetic location: 5q13.3.
Variant type: single nucleotide variant.
Coding change: c.2093A>G on transcript NM_003719.5 (MANE Select); coding-DNA position 2093, A replaced by G.
Protein change: p.Lys698Arg; replaces lysine 698 with arginine.
Molecular consequence: missense variant.
Genome position (GRCh38, 1-based): chr5:77,418,410, A>G. VCF-style: chr5-77418410-A-G. GRCh37 (hg19) VCF-style: chr5-76714235-A-G.
Other names: c.1802A>G, p.Lys601Arg (NM_001029851.4); c.1928A>G, p.Lys643Arg (NM_001029852.4); c.2033A>G, p.Lys678Arg (NM_001029853.4); c.1952A>G, p.Lys651Arg (NM_001029854.4); c.2090A>G, p.Lys697Arg (NM_001349748.3, NM_001349751.3); c.2156A>G, p.Lys719Arg (NM_001349749.3); c.1853A>G, p.Lys618Arg (NM_001349750.3); c.1787A>G, p.Lys596Arg (NM_001349752.3); and 12 more; short protein forms K570R, K601R, K618R, K697R, K477R, K600R, K643R, K648R.
Identifiers: ClinVar variation 4762709 (VCV004762709.1).